The following is an entry in ClinVar:

NM_006736.6(DNAJB2):c.185G>A (p.Arg62Gln)

Gene: DNAJB2 (DnaJ heat shock protein family (Hsp40) member B2; plus strand). Cytogenetic location: 2q35.
Variant type: single nucleotide variant.
Coding change: c.185G>A on transcript NM_006736.6 (MANE Select); coding-DNA position 185, G replaced by A.
Protein change: p.Arg62Gln; replaces arginine 62 with glutamine.
Molecular consequence: missense variant.
Genome position (GRCh38, 1-based): chr2:219,281,727, G>A. VCF-style: chr2-219281727-G-A. GRCh37 (hg19) VCF-style: chr2-220146449-G-A.
Other names: c.185G>A (NM_001039550.1); c.185G>A, p.Arg62Gln (NM_001039550.2); short protein forms R62Q.
Identifiers: ClinVar variation 4959963 (VCV004959963.2).

ClinVar aggregate classification (germline): Uncertain significance. Review status: criteria provided, multiple submitters, no conflicts (2 of 4 stars). 2 submissions from 2 submitters: Uncertain significance (2). Last evaluated 2026-03-11.

Submissions (2):

GeneDx
Classification: Uncertain significance. Last evaluated: 2026-03-11. Review status: criteria provided, single submitter. Criteria: GeneDx Variant Classification Process June 2021. Collection method: clinical testing. Allele origin: germline.
Comment: Not observed at significant frequency in large population cohorts (gnomAD); In silico analysis supports that this missense variant has a deleterious effect on protein structure/function; Has not been previously published as pathogenic or benign to our knowledge; This variant is associated with the following publications: (PMID: 22522442)

Blueprint Genetics
Classification: Uncertain significance. Last evaluated: 2022-06-02. Review status: criteria provided, single submitter. Criteria: ACMG Guidelines, 2015. Collection method: clinical testing. Allele origin: germline.